The following is an entry in ClinVar:

ClinVar aggregate classification (germline): Uncertain significance (1 of 4 stars; one submission).

Allele frequency attached by ClinVar (database versions not stated): TOPMed below 0.00001; gnomAD exomes 0.00001; ExAC 0.00003.
gnomAD v4.1: 12 of 1,611,010 alleles (0.00074%); highest among the groups gnomAD compares: South Asian, 0.013%; no homozygotes.

Submission:

Labcorp Genetics (formerly Invitae), Labcorp
Classification: Uncertain significance. Last evaluated: 2024-01-16. Review status: criteria provided, single submitter. Criteria: Invitae Variant Classification Sherloc (09022015). Collection method: clinical testing. Allele origin: germline.
Comment: This sequence change replaces tyrosine, which is neutral and polar, with histidine, which is basic and polar, at codon 662 of the TNS2 protein (p.Tyr662His). This variant is present in population databases (rs765520721, gnomAD 0.02%). This variant has not been reported in the literature in individuals affected with TNS2-related conditions. Algorithms developed to predict the effect of missense changes on protein structure and function output the following: SIFT: "Not Available"; PolyPhen-2: "Benign"; Align-GVGD: "Not Available". The histidine amino acid residue is found in multiple mammalian species, which suggests that this missense change does not adversely affect protein function. In summary, the available evidence is currently insufficient to determine the role of this variant in disease. Therefore, it has been classified as a Variant of Uncertain Significance.

NM_170754.4(TNS2):c.1954T>C (p.Tyr652His)

Gene: TNS2 (tensin 2; plus strand). Cytogenetic location: 12q13.13.
Variant type: single nucleotide variant.
Coding change: c.1954T>C on transcript NM_170754.4 (MANE Select); coding-DNA position 1954, T replaced by C.
Protein change: p.Tyr652His; replaces tyrosine 652 with histidine.
Molecular consequence: missense variant.
Genome position (GRCh38, 1-based): chr12:53,059,595, T>C. VCF-style: chr12-53059595-T-C. GRCh37 (hg19) VCF-style: chr12-53453379-T-C.
Other names: c.1954T>C, p.Tyr652His (NM_001416202.1); c.1912T>C, p.Tyr638His (NM_001416203.1); c.1981T>C, p.Tyr661His (NM_001416204.1); c.1885T>C, p.Tyr629His (NM_015319.3); c.1582T>C, p.Tyr528His (NM_198316.2); short protein forms Y528H, Y629H, Y661H, Y638H, Y652H.
Identifiers: ClinVar variation 2989444 (VCV002989444.3), dbSNP rs765520721, ClinGen allele CA6592489.
Genomic context (GRCh38, chr12:53,059,595, plus strand): 5'-GGCTACGCCGAGGCCTCGATGGAGAAGAGGCGCCTCTGCCGATCGCTGTCAGAGGGGCTA[T>C]ACCCCTACCCACCTGAGATGGGGAAACCAGCCACTGGGGACTTTGGCTACCGCGCCCCAG-3'
Protein context (NP_736610.2, residues 642-662): RLCRSLSEGL[Tyr652His]PYPPEMGKPA